The following is an entry in ClinVar:

ClinVar aggregate classification (germline): Pathogenic/Likely pathogenic. Review status: criteria provided, multiple submitters, no conflicts (2 of 4 stars). 5 submissions from 5 submitters: Pathogenic (4); Likely pathogenic (1). Last evaluated 2024-07-30.

Conditions:
Morquio syndrome. Also called: Eccentrochondrodysplasia; Mucopolysaccharidosis, Type IV; MPS IV; Mucopolysaccharidosis type 4. Identifiers: Orphanet 582, MedGen C0026707, MONDO:0018938.
Mucopolysaccharidosis, MPS-IV-A (MPS4A). Also called: Mucopolysaccharidosis Type IVA; GALACTOSAMINE-6-SULFATASE DEFICIENCY; GALNS DEFICIENCY; MORQUIO A DISEASE; MPS IVA; Morquio syndrome A, mild. Identifiers: Orphanet 309297, Orphanet 582, MedGen C0086651, MONDO:0009659, OMIM 253000.

Allele frequency attached by ClinVar (database versions not stated): gnomAD exomes 0.00002; ExAC 0.00003; gnomAD 0.00003; TOPMed 0.00003; ESP Exome Variant Server 0.00015.
gnomAD v4.1: 63 of 1,612,914 alleles (0.0039%); highest among the groups gnomAD compares: Non-Finnish European, 0.0051%; no homozygotes.

Submissions (5):

Labcorp Genetics (formerly Invitae), Labcorp
Classification: Pathogenic for Mucopolysaccharidosis, MPS-IV-A. Last evaluated: 2024-07-30. Review status: criteria provided, single submitter. Criteria: Invitae Variant Classification Sherloc (09022015). Collection method: clinical testing. Allele origin: germline.
Comment: This sequence change creates a premature translational stop signal (p.Gln111*) in the GALNS gene. It is expected to result in an absent or disrupted protein product. Loss-of-function variants in GALNS are known to be pathogenic (PMID: 12442278). This variant is present in population databases (rs200374326, gnomAD 0.007%). This premature translational stop signal has been observed in individual(s) with mucopolysaccharidosis type IV (PMID: 9375852). ClinVar contains an entry for this variant (Variation ID: 569803). For these reasons, this variant has been classified as Pathogenic.

Fulgent Genetics
Classification: Likely pathogenic for Mucopolysaccharidosis, MPS-IV-A. Last evaluated: 2024-04-25. Review status: criteria provided, single submitter. Criteria: ACMG Guidelines, 2015. Collection method: clinical testing. Allele origin: germline.

Genome-Nilou Lab
Classification: Pathogenic for Mucopolysaccharidosis, MPS-IV-A. Last evaluated: 2021-11-07. Review status: criteria provided, single submitter. Criteria: ACMG Guidelines, 2015. Collection method: clinical testing. Allele origin: germline. Affected: no.

Laboratory of Diagnosis and Therapy of Lysosomal Disorders, University of Padova
Classification: Pathogenic for Mucopolysaccharidosis, MPS-IV-A. Last evaluated: 2021-02-01. Review status: criteria provided, single submitter. Criteria: ACMG Guidelines, 2015. Collection method: research. Allele origin: germline. Affected: yes.
Comment: Nonsense variant (PVS1_very strong); in vitro functional studies supportive of a damaging effect on the gene product (low in vitro enzymatic activity; PS3_supporting); the prevalence of the variant in affected individuals is significantly increased compared with the prevalence in controls (PS4_strong); very low frequency in gnomAD v2.1.1 (PM2_moderate)

Women's Health and Genetics/Laboratory Corporation of America, LabCorp
Classification: Pathogenic for Morquio syndrome. Last evaluated: 2020-07-27. Review status: criteria provided, single submitter. Criteria: LabCorp Variant Classification Summary - May 2015. Collection method: clinical testing. Allele origin: germline.
Comment: Variant summary: GALNS c.331C>T (p.Gln111X) results in a premature termination codon, predicted to cause a truncation of the encoded protein or absence of the protein due to nonsense mediated decay, which are commonly known mechanisms for disease. Truncations downstream of this position have been classified as pathogenic by our laboratory. The variant allele was found at a frequency of 1.6e-05 in 250768 control chromosomes. c.331C>T has been reported in the literature in individuals affected with Mucopolysaccharidosis Type IVA (Morquio Syndrome A) and subsequently cited by others (example, Tomatsu_2005, Morrone_2014). These data indicate that the variant is very likely associated with disease. To our knowledge, no experimental evidence demonstrating an impact on protein function has been reported. One clinical diagnostic laboratory has submitted clinical-significance assessments for this variant to ClinVar after 2014 without evidence for independent evaluation and classified the variant as pathogenic. Based on the evidence outlined above, the variant was classified as pathogenic.

Literature cited by the submitters: PubMed 12442278 (cited by Labcorp Genetics (formerly Invitae), Labcorp); PubMed 9375852 (cited by Labcorp Genetics (formerly Invitae), Labcorp); PubMed 16287098 (cited by Laboratory of Diagnosis and Therapy of Lysosomal Disorders, University of Padova and Women's Health and Genetics/Laboratory Corporation of America, LabCorp); PubMed 24726177 (cited by Laboratory of Diagnosis and Therapy of Lysosomal Disorders, University of Padova and Women's Health and Genetics/Laboratory Corporation of America, LabCorp); PubMed 32905071 (cited by Laboratory of Diagnosis and Therapy of Lysosomal Disorders, University of Padova); PubMed 34387910 (cited by Laboratory of Diagnosis and Therapy of Lysosomal Disorders, University of Padova).

NM_000512.5(GALNS):c.331C>T (p.Gln111Ter)

Gene: GALNS (galactosamine (N-acetyl)-6-sulfatase; minus strand). Cytogenetic location: 16q24.3.
Variant type: single nucleotide variant.
Coding change: c.331C>T on transcript NM_000512.5 (MANE Select); coding-DNA position 331, C replaced by T.
Protein change: p.Gln111Ter; replaces glutamine 111 with a stop codon.
Molecular consequence: nonsense. On other transcripts: 5 prime UTR variant (1).
Genome position (GRCh38, 1-based): chr16:88,841,083, G>A on the plus strand (C>T on the coding strand, the complement: GALNS is on the minus strand). VCF-style: chr16-88841083-G-A. GRCh37 (hg19) VCF-style: chr16-88907491-G-A.
Other names: c.-225C>T (NM_001323543.2); c.349C>T, p.Gln117Ter (NM_001323544.2); short protein forms Q111*, Q117*.
Identifiers: ClinVar variation 569803 (VCV000569803.18), dbSNP rs200374326, ClinGen allele CA8235191.